The following is an entry in ClinVar:

NM_203446.3(SYNJ1):c.*552G>A

Gene: SYNJ1 (synaptojanin 1; minus strand). Cytogenetic location: 21q22.11.
Variant type: single nucleotide variant.
Coding change: c.*552G>A on transcript NM_203446.3 (MANE Select); 552 bases downstream of the stop codon, G replaced by A.
Molecular consequence: 3 prime UTR variant. On other transcripts: synonymous variant (2).
Genome position (GRCh38, 1-based): chr21:32,631,253, C>T on the plus strand (G>A on the coding strand, the complement: SYNJ1 is on the minus strand). VCF-style: chr21-32631253-C-T. GRCh37 (hg19) VCF-style: chr21-34003563-C-T.
Other names: p.Glu1527=; c.*552G>A (NM_001160302.2); c.4323G>A, p.Glu1441= (NM_001160306.2); c.4581G>A, p.Glu1527= (NM_003895.4).
Identifiers: ClinVar variation 478358 (VCV000478358.55), dbSNP rs146425050, ClinGen allele CA10003094.

ClinVar aggregate classification (germline): Likely benign. Review status: criteria provided, multiple submitters, no conflicts (2 of 4 stars). 7 submissions from 7 submitters: Likely benign (5). 2 of the submissions do not count toward it. Last evaluated 2026-09-15.

Conditions:
SYNJ1-related disorder. Also called: SYNJ1-related condition.
Developmental and epileptic encephalopathy, 53. Also called: Epileptic encephalopathy, early infantile, 53. Identifiers: MedGen C4479313, MONDO:0033362, OMIM 617389.
Early-onset Parkinson disease 20. Also called: PARKINSON DISEASE 20, AUTOSOMAL RECESSIVE EARLY-ONSET. Identifiers: Orphanet 391411, MedGen C3809824, MONDO:0014233, OMIM 615530.

Allele frequency attached by ClinVar (database versions not stated): ESP Exome Variant Server 0.00015; TOPMed 0.00044; gnomAD exomes 0.00059; gnomAD 0.00064; ExAC 0.00066.
gnomAD v4.1: 1,308 of 1,614,214 alleles (0.081%); highest among the groups gnomAD compares: Non-Finnish European, 0.096%; 5 homozygotes.

Submissions (7):

PreventionGenetics, part of Exact Sciences
Classification: Likely benign for SYNJ1-related condition. Last evaluated: 2026-09-15. Review status: criteria provided, single submitter. Criteria: ACMG Guidelines, 2015. Collection method: clinical testing. Allele origin: germline.
Comment: This variant is classified as likely benign based on ACMG/AMP sequence variant interpretation guidelines (Richards et al. 2015 PMID: 25741868, with internal and published modifications).

Labcorp Genetics (formerly Invitae), Labcorp
Classification: Likely benign for Developmental and epileptic encephalopathy, 53; Early-onset Parkinson disease 20. Last evaluated: 2026-01-09. Review status: criteria provided, single submitter. Criteria: Invitae Variant Classification Sherloc (09022015). Collection method: clinical testing. Allele origin: germline.

CeGaT Center for Human Genetics Tuebingen
Classification: Likely benign. Last evaluated: 2025-03-01. Review status: criteria provided, single submitter. Criteria: CeGaT Center For Human Genetics Tuebingen Variant Classification Criteria Version 2. Collection method: clinical testing. Allele origin: germline. Affected: yes. Observed: 8 variant alleles.
Comment: SYNJ1: BP4, BP7

Mayo Clinic Laboratories, Mayo Clinic
Classification: Likely benign. Last evaluated: 2024-12-27. Review status: criteria provided, single submitter. Criteria: ACMG Guidelines, 2015. Collection method: clinical testing. Allele origin: germline. Observed: 2 variant alleles.
Comment: BS1, BP4, BP7

Blueprint Genetics
Classification: Likely benign. Last evaluated: 2024-10-25. Review status: criteria provided, single submitter. Criteria: ACMG Guidelines, 2015. Collection method: clinical testing. Allele origin: germline.

Clinical Genetics DNA and cytogenetics Diagnostics Lab, Erasmus MC, Erasmus Medical Center
Classification: Likely benign. Review status: no assertion criteria provided. Collection method: clinical testing. Allele origin: germline. Affected: yes. Study: VKGL Data-share Consensus. Not counted in ClinVar's aggregate classification.

Genome Diagnostics Laboratory, University Medical Center Utrecht
Classification: Likely benign. Review status: no assertion criteria provided. Collection method: clinical testing. Allele origin: germline. Affected: yes. Study: VKGL Data-share Consensus. Not counted in ClinVar's aggregate classification.